The following is an entry in ClinVar:

NM_001365088.1(SLC12A6):c.2840C>T (p.Ala947Val)

Gene: SLC12A6 (solute carrier family 12 member 6; minus strand). Cytogenetic location: 15q14.
Variant type: single nucleotide variant.
Coding change: c.2840C>T on transcript NM_001365088.1 (MANE Select); coding-DNA position 2840, C replaced by T.
Protein change: p.Ala947Val; replaces alanine 947 with valine.
Molecular consequence: missense variant.
Genome position (GRCh38, 1-based): chr15:34,237,513, G>A on the plus strand (C>T on the coding strand, the complement: SLC12A6 is on the minus strand). VCF-style: chr15-34237513-G-A. GRCh37 (hg19) VCF-style: chr15-34529714-G-A.
Other names: c.2663C>T, p.Ala888Val (NM_001042494.2, NM_001042495.2); c.2813C>T, p.Ala938Val (NM_001042496.2); c.2795C>T, p.Ala932Val (NM_001042497.2); c.2687C>T, p.Ala896Val (NM_005135.2); c.2840C>T, p.Ala947Val (NM_133647.2); short protein forms A888V, A896V, A932V, A938V, A947V.
Identifiers: ClinVar variation 3774916 (VCV003774916.1).

ClinVar aggregate classification (germline): Uncertain significance (1 of 4 stars; one submission).

Submission:

GeneDx
Classification: Uncertain significance. Last evaluated: 2024-09-30. Review status: criteria provided, single submitter. Criteria: GeneDx Variant Classification Process June 2021. Collection method: clinical testing. Allele origin: germline. Affected: yes.
Comment: Not observed at significant frequency in large population cohorts (gnomAD); In silico analysis supports that this missense variant has a deleterious effect on protein structure/function; Has not been previously published as pathogenic or benign to our knowledge